The following is an entry in ClinVar:

NM_022765.4(MICAL1):c.730T>G (p.Phe244Val)

Gene: MICAL1 (microtubule associated monooxygenase, calponin and LIM domain containing 1; minus strand). Cytogenetic location: 6q21.
Variant type: single nucleotide variant.
Coding change: c.730T>G on transcript NM_022765.4 (MANE Select); coding-DNA position 730, T replaced by G.
Protein change: p.Phe244Val; replaces phenylalanine 244 with valine.
Molecular consequence: missense variant.
Genome position (GRCh38, 1-based): chr6:109,452,348, A>C on the plus strand (T>G on the coding strand, the complement: MICAL1 is on the minus strand). VCF-style: chr6-109452348-A-C. GRCh37 (hg19) VCF-style: chr6-109773551-A-C.
Other names: c.730T>G, p.Phe244Val (NM_001159291.2); c.787T>G, p.Phe263Val (NM_001286613.2); short protein forms F244V, F263V.
Identifiers: ClinVar variation 3624808 (VCV003624808.2).

ClinVar aggregate classification (germline): Uncertain significance (1 of 4 stars; one submission).

gnomAD v4.1: 29 of 1,614,088 alleles (0.0018%); highest among the groups gnomAD compares: African/African-American, 0.0027%; no homozygotes.

Submission:

Labcorp Genetics (formerly Invitae), Labcorp
Classification: Uncertain significance. Last evaluated: 2026-01-12. Review status: criteria provided, single submitter. Criteria: Invitae Variant Classification Sherloc (09022015). Collection method: clinical testing. Allele origin: germline.
Comment: This sequence change replaces phenylalanine, which is neutral and non-polar, with valine, which is neutral and non-polar, at codon 263 of the MICAL1 protein (p.Phe263Val). This variant is present in population databases (rs754997264, gnomAD 0.007%). This variant has not been reported in the literature in individuals affected with MICAL1-related conditions. ClinVar contains an entry for this variant (Variation ID: 3624808). An algorithm developed to predict the effect of missense changes on protein structure and function (PolyPhen-2) suggests that this variant is likely to be disruptive. In summary, the available evidence is currently insufficient to determine the role of this variant in disease. Therefore, it has been classified as a Variant of Uncertain Significance.